The following is an entry in ClinVar:

ClinVar aggregate classification (germline): Likely pathogenic. Review status: criteria provided, multiple submitters, no conflicts (2 of 4 stars). 2 submissions from 2 submitters: Likely pathogenic (2). Last evaluated 2024-09-02.

Conditions:
Cone-rod dystrophy 13 (CORD13). Identifiers: Orphanet 1872, MedGen C2750720, MONDO:0011987, OMIM 608194.
Leber congenital amaurosis 6 (LCA6). Identifiers: Orphanet 65, MedGen C1854260, MONDO:0013446, OMIM 613826.

Allele frequency attached by ClinVar (database versions not stated): gnomAD 0.00001; gnomAD exomes 0.00001 and 0.00003; TOPMed 0.00001; ESP Exome Variant Server 0.00008.

Submissions (2):

Labcorp Genetics (formerly Invitae), Labcorp
Classification: Likely pathogenic for Leber congenital amaurosis 6; Cone-rod dystrophy 13. Last evaluated: 2024-09-02. Review status: criteria provided, single submitter. Criteria: Invitae Variant Classification Sherloc (09022015). Collection method: clinical testing. Allele origin: germline.
Comment: This sequence change affects an acceptor splice site in intron 7 of the RPGRIP1 gene. It is expected to disrupt RNA splicing. Variants that disrupt the donor or acceptor splice site typically lead to a loss of protein function (PMID: 16199547), and loss-of-function variants in RPGRIP1 are known to be pathogenic (PMID: 11528500, 23105016). This variant is present in population databases (rs374188857, gnomAD 0.007%). This variant has not been reported in the literature in individuals affected with RPGRIP1-related conditions. ClinVar contains an entry for this variant (Variation ID: 578332). Algorithms developed to predict the effect of sequence changes on RNA splicing suggest that this variant may disrupt the consensus splice site. In summary, the currently available evidence indicates that the variant is pathogenic, but additional data are needed to prove that conclusively. Therefore, this variant has been classified as Likely Pathogenic.

Fulgent Genetics
Classification: Likely pathogenic for Cone-rod dystrophy 13; Leber congenital amaurosis 6. Last evaluated: 2024-01-05. Review status: criteria provided, single submitter. Criteria: ACMG Guidelines, 2015. Collection method: clinical testing. Allele origin: germline.

Literature cited by the submitters: PubMed 16199547 (cited by Labcorp Genetics (formerly Invitae), Labcorp); PubMed 11528500 (cited by Labcorp Genetics (formerly Invitae), Labcorp); PubMed 23105016 (cited by Labcorp Genetics (formerly Invitae), Labcorp).

NM_020366.4(RPGRIP1):c.931-2A>G

Gene: RPGRIP1 (RPGR interacting protein 1; plus strand). Cytogenetic location: 14q11.2.
Variant type: single nucleotide variant.
Coding change: c.931-2A>G on transcript NM_020366.4 (MANE Select); the canonical splice acceptor site of the intron before coding-DNA position 931, A replaced by G.
Molecular consequence: splice acceptor variant.
Genome position (GRCh38, 1-based): chr14:21,311,822, A>G. VCF-style: chr14-21311822-A-G. GRCh37 (hg19) VCF-style: chr14-21779981-A-G.
Identifiers: ClinVar variation 578332 (VCV000578332.10), dbSNP rs374188857, ClinGen allele CA257501222.